The following is an entry in ClinVar:

NM_003659.4(AGPS):c.1543C>T (p.Arg515Ter)

Gene: AGPS (alkylglycerone phosphate synthase; plus strand). Cytogenetic location: 2q31.2.
Variant type: single nucleotide variant.
Coding change: c.1543C>T on transcript NM_003659.4 (MANE Select); coding-DNA position 1543, C replaced by T.
Protein change: p.Arg515Ter; replaces arginine 515 with a stop codon.
Molecular consequence: nonsense.
Genome position (GRCh38, 1-based): chr2:177,505,573, C>T. VCF-style: chr2-177505573-C-T. GRCh37 (hg19) VCF-style: chr2-178370301-C-T.
Other names: short protein forms R515*.
Identifiers: ClinVar variation 4693459 (VCV004693459.1).

ClinVar aggregate classification (germline): Pathogenic (1 of 4 stars; one submission).

gnomAD v4.1: 1 of 1,609,512 alleles (0.000062%); highest among the groups gnomAD compares: Non-Finnish European, 0.000085%; no homozygotes.

Submission:

Labcorp Genetics (formerly Invitae), Labcorp
Classification: Pathogenic. Last evaluated: 2025-12-14. Review status: criteria provided, single submitter. Criteria: Invitae Variant Classification Sherloc (09022015). Collection method: clinical testing. Allele origin: germline.
Comment: This sequence change creates a premature translational stop signal (p.Arg515*) in the AGPS gene. It is expected to result in an absent or disrupted protein product. Loss-of-function variants in AGPS are known to be pathogenic (PMID: 21990100, 35070570, 35986576). This variant is not present in population databases (gnomAD no frequency). This variant has not been reported in the literature in individuals affected with AGPS-related conditions. For these reasons, this variant has been classified as Pathogenic.

Literature cited by the submitters: PubMed 21990100; PubMed 35070570; PubMed 35986576.